The following is an entry in ClinVar:

ClinVar aggregate classification (germline): Uncertain significance. Review status: criteria provided, multiple submitters, no conflicts (2 of 4 stars). 2 submissions from 2 submitters: Uncertain significance (2). Last evaluated 2023-05-05.

Conditions:
Fanconi anemia (FA). Also called: Fanconi's anemia. Identifiers: Orphanet 84, MedGen C0015625, MeSH D005199, MONDO:0019391.
Hereditary cancer-predisposing syndrome. Also called: Neoplastic Syndromes, Hereditary; Tumor predisposition; Hereditary neoplastic syndrome; Hereditary Cancer Syndrome. Identifiers: Orphanet 140162, MedGen C0027672, MeSH D009386, MONDO:0015356.

Allele frequency attached by ClinVar (database versions not stated): gnomAD exomes below 0.00001.
gnomAD v4.1: 1 of 1,614,146 alleles (0.000062%); highest among the groups gnomAD compares: Non-Finnish European, 0.000085%; no homozygotes.

Submissions (2):

Labcorp Genetics (formerly Invitae), Labcorp
Classification: Uncertain significance for Fanconi anemia. Last evaluated: 2023-05-05. Review status: criteria provided, single submitter. Criteria: Invitae Variant Classification Sherloc (09022015). Collection method: clinical testing. Allele origin: germline.
Comment: This variant has not been reported in the literature in individuals affected with FANCC-related conditions. In summary, the available evidence is currently insufficient to determine the role of this variant in disease. Therefore, it has been classified as a Variant of Uncertain Significance. Advanced modeling of protein sequence and biophysical properties (such as structural, functional, and spatial information, amino acid conservation, physicochemical variation, residue mobility, and thermodynamic stability) performed at Invitae indicates that this missense variant is not expected to disrupt FANCC protein function. ClinVar contains an entry for this variant (Variation ID: 2450927). This variant is not present in population databases (gnomAD no frequency). This sequence change replaces serine, which is neutral and polar, with glycine, which is neutral and non-polar, at codon 459 of the FANCC protein (p.Ser459Gly).

Ambry Genetics
Classification: Uncertain significance for Hereditary cancer-predisposing syndrome. Last evaluated: 2022-12-30. Review status: criteria provided, single submitter. Criteria: Ambry Variant Classification Scheme 2023. Collection method: clinical testing. Allele origin: germline.
Comment: The p.S459G variant (also known as c.1375A>G), located in coding exon 13 of the FANCC gene, results from an A to G substitution at nucleotide position 1375. The serine at codon 459 is replaced by glycine, an amino acid with similar properties. This amino acid position is conserved. In addition, this alteration is predicted to be tolerated by in silico analysis. Since supporting evidence is limited at this time, the clinical significance of this alteration remains unclear.

NM_000136.3(FANCC):c.1375A>G (p.Ser459Gly)

Genes: AOPEP (aminopeptidase O (putative); plus strand), FANCC (FA complementation group C; minus strand). Cytogenetic location: 9q22.32.
Variant type: single nucleotide variant.
Coding change: c.1375A>G on transcript NM_000136.3 (MANE Select); coding-DNA position 1375, A replaced by G.
Protein change: p.Ser459Gly; replaces serine 459 with glycine.
Molecular consequence: missense variant.
Genome position (GRCh38, 1-based): chr9:95,107,224, T>C on the plus strand (A>G on the coding strand, the complement: FANCC is on the minus strand). VCF-style: chr9-95107224-T-C. GRCh37 (hg19) VCF-style: chr9-97869506-T-C.
Other names: c.1375A>G, p.Ser459Gly (NM_001243743.2); short protein forms S459G.
Identifiers: ClinVar variation 2450927 (VCV002450927.5), dbSNP rs2540810043, ClinGen allele CA374106207.